The following is an entry in ClinVar:

ClinVar aggregate classification (germline): Uncertain significance. Review status: criteria provided, multiple submitters, no conflicts (2 of 4 stars). 2 submissions from 2 submitters: Uncertain significance (2). Last evaluated 2022-07-24.

Allele frequency attached by ClinVar (database versions not stated): gnomAD 0.00001; gnomAD exomes 0.00001.
gnomAD v4.1: 9 of 1,208,732 alleles (0.00074%); highest among the groups gnomAD compares: Non-Finnish European, 0.001%; no homozygotes.

Submissions (2):

GeneDx
Classification: Uncertain significance. Last evaluated: 2022-07-24. Review status: criteria provided, single submitter. Criteria: GeneDx Variant Classification Process June 2021. Collection method: clinical testing. Allele origin: germline. Affected: yes.
Comment: In silico analysis supports that this missense variant has a deleterious effect on protein structure/function; Has not been previously published as pathogenic or benign to our knowledge

Labcorp Genetics (formerly Invitae), Labcorp
Classification: Uncertain significance. Last evaluated: 2021-09-03. Review status: criteria provided, single submitter. Criteria: Invitae Variant Classification Sherloc (09022015). Collection method: clinical testing. Allele origin: germline.
Comment: In summary, the available evidence is currently insufficient to determine the role of this variant in disease. Therefore, it has been classified as a Variant of Uncertain Significance. Algorithms developed to predict the effect of missense changes on protein structure and function are either unavailable or do not agree on the potential impact of this missense change (SIFT: "Deleterious"; PolyPhen-2: "Probably Damaging"; Align-GVGD: "Class C0"). This variant has not been reported in the literature in individuals affected with CACNA1F-related conditions. This variant is not present in population databases (ExAC no frequency). This sequence change replaces valine with methionine at codon 734 of the CACNA1F protein (p.Val734Met). The valine residue is highly conserved and there is a small physicochemical difference between valine and methionine.

NM_001256789.3(CACNA1F):c.2167G>A (p.Val723Met)

Gene: CACNA1F (calcium voltage-gated channel subunit alpha1 F; minus strand). Cytogenetic location: Xp11.23.
Variant type: single nucleotide variant.
Coding change: c.2167G>A on transcript NM_001256789.3 (MANE Select); coding-DNA position 2167, G replaced by A.
Protein change: p.Val723Met; replaces valine 723 with methionine.
Molecular consequence: missense variant.
Genome position (GRCh38, 1-based): chrX:49,222,757, C>T on the plus strand (G>A on the coding strand, the complement: CACNA1F is on the minus strand). VCF-style: chrX-49222757-C-T. GRCh37 (hg19) VCF-style: chrX-49079216-C-T.
Other names: c.2005G>A, p.Val669Met (NM_001256790.3); c.2200G>A, p.Val734Met (NM_005183.4); c.2200G>A (NM_005183.2); short protein forms V734M, V723M, V669M.
Identifiers: ClinVar variation 1476255 (VCV001476255.8), dbSNP rs1569528322, ClinGen allele CA412910497.